The following is an entry in ClinVar:

ClinVar aggregate classification (germline): Uncertain significance (1 of 4 stars; one submission).

Submission:

GeneDx
Classification: Uncertain significance. Last evaluated: 2020-02-13. Review status: criteria provided, single submitter. Criteria: GeneDx Variant Classification Process June 2021. Collection method: clinical testing. Allele origin: germline. Affected: yes.
Comment: Variant present in a single alternate transcript of the GNAS gene (NM_016592.2), but not in any other known transcript, including the primary isoform used by the Human Gene Mutation database (NM_000516.4); Nonsense variant predicted to result in protein truncation as the last 127 amino acids are lost and replaced by 11 incorrect amino acids, although loss-of-function variants have not been reported downstream of this position in the protein; Has not been previously published as pathogenic or benign to our knowledge

NM_016592.5(GNAS):c.355dup (p.Ile119fs)

Genes: GNAS (GNAS complex locus; plus strand), GNAS-AS1 (GNAS antisense RNA 1; minus strand). Cytogenetic location: 20q13.32.
Variant type: Duplication.
Coding change: c.355dup on transcript NM_016592.5 (MANE Plus Clinical); coding-DNA position 355, one base duplicated (A; older notation c.355dupA).
Protein change: p.Ile119fs; shifts the reading frame from isoleucine 119.
Molecular consequence: frameshift variant. On other transcripts: 5 prime UTR variant (1).
Genome position (GRCh38, 1-based): chr20:58,840,461, A duplicated; the last of 3 consecutive A bases (chr20:58,840,459-58,840,461); duplicating any one gives the same sequence. VCF-style (leftmost placement, unchanged base first): chr20-58840458-G-GA. GRCh37 (hg19) VCF-style: chr20-57415513-G-GA.
Other names: c.-383dup (NM_001410912.1); short protein forms I119fs.
Identifiers: ClinVar variation 1319015 (VCV001319015.4), dbSNP rs779115304, ClinGen allele CA9926307.